The following is an entry in ClinVar:

ClinVar aggregate classification (germline): Uncertain significance (1 of 4 stars; one submission).

Submission:

GeneDx
Classification: Uncertain significance. Last evaluated: 2022-01-20. Review status: criteria provided, single submitter. Criteria: GeneDx Variant Classification Process June 2021. Collection method: clinical testing. Allele origin: germline. Affected: yes.
Comment: Not observed at significant frequency in large population cohorts (gnomAD); In silico analysis supports that this missense variant does not alter protein structure/function; Has not been previously published as pathogenic or benign to our knowledge

NM_001164760.2(PRKAR1B):c.274A>G (p.Lys92Glu)

Gene: PRKAR1B (protein kinase cAMP-dependent type I regulatory subunit beta; minus strand). Cytogenetic location: 7p22.3.
Variant type: single nucleotide variant.
Coding change: c.274A>G on transcript NM_001164760.2 (MANE Select); coding-DNA position 274, A replaced by G.
Protein change: p.Lys92Glu; replaces lysine 92 with glutamic acid.
Molecular consequence: missense variant.
Genome position (GRCh38, 1-based): chr7:680,630, T>C on the plus strand (A>G on the coding strand, the complement: PRKAR1B is on the minus strand). VCF-style: chr7-680630-T-C. GRCh37 (hg19) VCF-style: chr7-720267-T-C.
Other names: c.274A>G, p.Lys92Glu (NM_001164758.2, NM_001164759.1, NM_001164761.2 and 2 more transcripts); short protein forms K92E.
Identifiers: ClinVar variation 1698130 (VCV001698130.2), dbSNP rs2128507554, ClinGen allele CA366532639.